The following is an entry in ClinVar:

ClinVar aggregate classification (germline): Uncertain significance. Review status: criteria provided, multiple submitters, no conflicts (2 of 4 stars). 2 submissions from 2 submitters: Uncertain significance (2). Last evaluated 2025-10-14.

Conditions:
Hereditary cancer-predisposing syndrome. Also called: Hereditary neoplastic syndrome; Neoplastic Syndromes, Hereditary; Tumor predisposition; Hereditary Cancer Syndrome. Identifiers: Orphanet 140162, MedGen C0027672, MeSH D009386, MONDO:0015356.

Allele frequency attached by ClinVar (database versions not stated): gnomAD exomes below 0.00001 and 0.00001; ExAC 0.00001; gnomAD 0.00001; TOPMed 0.00001.
gnomAD v4.1: 3 of 1,612,880 alleles (0.00019%); highest among the groups gnomAD compares: East Asian, 0.0067%; no homozygotes.

Submissions (2):

Ambry Genetics
Classification: Uncertain significance for Hereditary cancer-predisposing syndrome. Last evaluated: 2025-10-14. Review status: criteria provided, single submitter. Criteria: Ambry Variant Classification Scheme 2023. Collection method: clinical testing. Allele origin: germline.
Comment: The p.N1127D variant (also known as c.3379A>G), located in coding exon 24 of the MSH3 gene, results from an A to G substitution at nucleotide position 3379. The asparagine at codon 1127 is replaced by aspartic acid, an amino acid with highly similar properties. This amino acid position is poorly conserved in available vertebrate species. In addition, this alteration is predicted to be tolerated by in silico analysis. Since supporting evidence is limited at this time, the clinical significance of this alteration remains unclear.

Labcorp Genetics (formerly Invitae), Labcorp
Classification: Uncertain significance. Last evaluated: 2025-07-17. Review status: criteria provided, single submitter. Criteria: Invitae Variant Classification Sherloc (09022015). Collection method: clinical testing. Allele origin: germline.
Comment: This sequence change replaces asparagine, which is neutral and polar, with aspartic acid, which is acidic and polar, at codon 1127 of the MSH3 protein (p.Asn1127Asp). This variant is present in population databases (rs761782284, gnomAD 0.02%). This variant has not been reported in the literature in individuals affected with MSH3-related conditions. ClinVar contains an entry for this variant (Variation ID: 938871). An algorithm developed to predict the effect of missense changes on protein structure and function outputs the following: PolyPhen-2: "Benign". The aspartic acid amino acid residue is found in multiple mammalian species, which suggests that this missense change does not adversely affect protein function. In summary, the available evidence is currently insufficient to determine the role of this variant in disease. Therefore, it has been classified as a Variant of Uncertain Significance.

NM_002439.5(MSH3):c.3379A>G (p.Asn1127Asp)

Gene: MSH3 (mutS homolog 3; plus strand). Cytogenetic location: 5q14.1.
Variant type: single nucleotide variant.
Coding change: c.3379A>G on transcript NM_002439.5 (MANE Select); coding-DNA position 3379, A replaced by G.
Protein change: p.Asn1127Asp; replaces asparagine 1127 with aspartic acid.
Molecular consequence: missense variant.
Genome position (GRCh38, 1-based): chr5:80,875,827, A>G. VCF-style: chr5-80875827-A-G. GRCh37 (hg19) VCF-style: chr5-80171646-A-G.
Other names: short protein forms N1127D.
Identifiers: ClinVar variation 938871 (VCV000938871.10), dbSNP rs761782284, ClinGen allele CA3328532.